The following is an entry in ClinVar:

ClinVar aggregate classification (germline): Uncertain significance (1 of 4 stars; one submission).

Submission:

Labcorp Genetics (formerly Invitae), Labcorp
Classification: Uncertain significance. Last evaluated: 2024-10-07. Review status: criteria provided, single submitter. Criteria: Invitae Variant Classification Sherloc (09022015). Collection method: clinical testing. Allele origin: germline.
Comment: This sequence change replaces serine, which is neutral and polar, with asparagine, which is neutral and polar, at codon 20 of the NTHL1 protein (p.Ser20Asn). This variant is not present in population databases (gnomAD no frequency). This variant has not been reported in the literature in individuals affected with NTHL1-related conditions. ClinVar contains an entry for this variant (Variation ID: 1500737). An algorithm developed to predict the effect of missense changes on protein structure and function outputs the following: PolyPhen-2: "Benign". The asparagine amino acid residue is found in multiple mammalian species, which suggests that this missense change does not adversely affect protein function. In summary, the available evidence is currently insufficient to determine the role of this variant in disease. Therefore, it has been classified as a Variant of Uncertain Significance.

NM_002528.7(NTHL1):c.35G>A (p.Ser12Asn)

Gene: NTHL1 (nth like DNA glycosylase 1; minus strand). Cytogenetic location: 16p13.3.
Variant type: single nucleotide variant.
Coding change: c.35G>A on transcript NM_002528.7 (MANE Select); coding-DNA position 35, G replaced by A.
Protein change: p.Ser12Asn; replaces serine 12 with asparagine.
Molecular consequence: missense variant. On other transcripts: 5 prime UTR variant (1).
Genome position (GRCh38, 1-based): chr16:2,047,789, C>T on the plus strand (G>A on the coding strand, the complement: NTHL1 is on the minus strand). VCF-style: chr16-2047789-C-T. GRCh37 (hg19) VCF-style: chr16-2097790-C-T.
Other names: c.35G>A, p.Ser12Asn (NM_001318193.2); c.-144G>A (NM_001318194.2); short protein forms S12N.
Identifiers: ClinVar variation 1500737 (VCV001500737.6), dbSNP rs2150958467, ClinGen allele CA394298558.